The following is an entry in ClinVar:

ClinVar aggregate classification (germline): Likely benign. Review status: criteria provided, multiple submitters, no conflicts (2 of 4 stars). 2 submissions from 2 submitters: Likely benign (2). Last evaluated 2025-11-13.

Submissions (2):

Labcorp Genetics (formerly Invitae), Labcorp
Classification: Likely benign. Last evaluated: 2025-11-13. Review status: criteria provided, single submitter. Criteria: Invitae Variant Classification Sherloc (09022015). Collection method: clinical testing. Allele origin: germline.

GeneDx
Classification: Likely benign. Last evaluated: 2023-01-04. Review status: criteria provided, single submitter. Criteria: GeneDx Variant Classification Process June 2021. Collection method: clinical testing. Allele origin: germline. Affected: yes.
Comment: See Variant Classification Assertion Criteria.

NM_001374828.1(ARID1B):c.591GCA[10] (p.Gln214_His215insGlnGlnGln)

Genes: ARID1B (AT-rich interaction domain 1B; plus strand), LOC115308161 (uncharacterized LOC115308161; minus strand). Cytogenetic location: 6q25.3.
Variant type: Microsatellite.
Coding change: c.591GCA[10] on transcript NM_001374828.1 (MANE Select); ten copies in a row of the 3-base unit GCA starting at c.591; the reference has seven copies in a row; three copies, 9 bases duplicated.
Protein change: p.Gln214_His215insGlnGlnGln.
Molecular consequence: inframe insertion. On other transcripts: non-coding transcript variant (1), inframe indel (1).
Genome position (GRCh38, 1-based): chr6:156,778,283-156,778,291, GCAGCAGCA duplicated; duplicating any 9 consecutive bases within chr6:156,778,269-156,778,291 gives the same sequence; the position shown is the placement nearest the transcript's 3' end. VCF-style (leftmost placement, unchanged base first): chr6-156778268-C-CCAGCAGCAG. GRCh37 (hg19) VCF-style: chr6-157099402-C-CCAGCAGCAG.
Other names: c.591GCA[10], p.Gln214_His215insGlnGlnGln (NM_001371656.1, NM_001374820.1, NM_017519.3); c.354_362dup (NM_020732.3).
Identifiers: ClinVar variation 1810734 (VCV001810734.5), dbSNP rs587779743, ClinGen allele CA4066646.